The following is an entry in ClinVar:

ClinVar aggregate classification (germline): Benign (3 of 4 stars; one submission).

Conditions:
Breast-ovarian cancer, familial, susceptibility to, 1 (BROVCA1). Also called: BRCA1 Hereditary Breast and Ovarian Cancer; OVARIAN CANCER, SUSCEPTIBILITY TO. Identifiers: Orphanet 145, MedGen C2676676, MONDO:0011450, OMIM 604370. Disease mechanism: loss of function.

Submission:

Evidence-based Network for the Interpretation of Germline Mutant Alleles (ENIGMA)
Classification: Benign for Breast-ovarian cancer, familial, susceptibility to, 1. Last evaluated: 2016-09-28. Review status: reviewed by expert panel. Criteria: ENIGMA BRCA1/2 Classification Criteria (2015). Collection method: curation. Allele origin: germline.
Comment: Class 1 not pathogenic based on frequency >1% in an outbred sampleset. Frequency 0.0298 (European), 0.0216 (Admixed American/Latino), derived from 1000 genomes (2013-05-02).

NM_007294.4(BRCA1):c.5193+1232_5193+1234del

Gene: BRCA1 (BRCA1 DNA repair associated; minus strand). Cytogenetic location: 17q21.31.
Variant type: Deletion.
Coding change: c.5193+1232_5193+1234del on transcript NM_007294.4 (MANE Select); bases 1232 to 1234 of the intron after coding-DNA position 5193, 3 bases deleted (AAA; older notation c.5193+1232_5193+1234delAAA).
Molecular consequence: intron variant.
Genome position (GRCh38, 1-based): chr17:43,062,099-43,062,101, TTT deleted on the plus strand (AAA on the coding strand, the reverse complement: BRCA1 is on the minus strand); deleting any 3 consecutive bases within chr17:43,062,099-43,062,110 gives the same sequence; the c. name uses the placement nearest the transcript's 3' end. VCF-style (leftmost placement, unchanged base first): chr17-43062098-CTTT-C. GRCh37 (hg19) VCF-style: chr17-41214115-CTTT-C.
Other names: c.1503+1232_1503+1234del (NM_001408510.1); c.4983+1232_4983+1234del (NM_001407885.1, NM_001407886.1, NM_001407881.1 and 5 more transcripts); c.1737+1232_1737+1234del (NM_001408470.1, NM_001408469.1, NM_001408468.1); c.5046+1232_5046+1234del (NM_001407848.1, NM_001407839.1, NM_001407842.1 and 12 more transcripts); c.5049+1232_5049+1234del (NM_001407745.1, NM_001407737.1, NM_001407746.1 and 21 more transcripts); c.4929+1232_4929+1234del (NM_001407922.1, NM_001407925.1, NM_001407921.1 and 4 more transcripts); c.1743+1232_1743+1234del (NM_001408453.1, NM_001408455.1, NM_001408452.1 and 3 more transcripts); c.5052+1232_5052+1234del (NM_001407728.1, NM_007297.4, NM_001407731.1 and 13 more transcripts); and 72 more.
Identifiers: ClinVar variation 264817 (VCV000264817.2), dbSNP rs536209322, ClinGen allele CA10588199.
Genomic context (GRCh38, chr17:43,062,098, plus strand): 5'-GAATTATAAACAGATACATTTGCATGTATATATATGTATATATGCATATGCACACACACA[CTTT>C]TTTTTTTTTAAGAGACAGGGTCTTGCTCTGTGCAAGTGCAAGAGTGCAATGGTATGATCA-3'